The following is an entry in ClinVar:

ClinVar aggregate classification (germline): Uncertain significance. Review status: criteria provided, multiple submitters, no conflicts (2 of 4 stars). 3 submissions from 3 submitters: Uncertain significance (3). Last evaluated 2025-02-20.

Conditions:
Inborn genetic diseases. Identifiers: MedGen C0950123, MeSH D030342.
Orthostatic hypotension 1 (ORTHYP1). Also called: NORADRENALINE DEFICIENCY; NOREPINEPHRINE DEFICIENCY; Orthostatic hypotension 1, due to DBH deficiency; Dopamine beta-hydroxylase deficiency. Identifiers: Orphanet 230, MedGen C4746777, MONDO:0009123, OMIM 223360.

Allele frequency attached by ClinVar (database versions not stated): gnomAD exomes 0.00003 and 0.00006; ExAC 0.00004; TOPMed 0.00004; gnomAD 0.00006 and 0.00007; ESP Exome Variant Server 0.00008.

Submissions (3):

Ambry Genetics
Classification: Uncertain significance for Inborn genetic diseases. Last evaluated: 2025-02-20. Review status: criteria provided, single submitter. Criteria: Ambry Variant Classification Scheme 2023. Collection method: clinical testing. Allele origin: germline.

Labcorp Genetics (formerly Invitae), Labcorp
Classification: Uncertain significance for Orthostatic hypotension 1. Last evaluated: 2022-04-16. Review status: criteria provided, single submitter. Criteria: Invitae Variant Classification Sherloc (09022015). Collection method: clinical testing. Allele origin: germline.
Comment: In summary, the available evidence is currently insufficient to determine the role of this variant in disease. Therefore, it has been classified as a Variant of Uncertain Significance. Algorithms developed to predict the effect of missense changes on protein structure and function are either unavailable or do not agree on the potential impact of this missense change (SIFT: "Tolerated"; PolyPhen-2: "Possibly Damaging"; Align-GVGD: "Class C0"). ClinVar contains an entry for this variant (Variation ID: 912321). This variant has not been reported in the literature in individuals affected with DBH-related conditions. This variant is present in population databases (rs200678652, gnomAD 0.1%). This sequence change replaces tyrosine, which is neutral and polar, with phenylalanine, which is neutral and non-polar, at codon 334 of the DBH protein (p.Tyr334Phe).

Illumina Laboratory Services, Illumina
Classification: Uncertain significance for Orthostatic hypotension 1. Last evaluated: 2018-01-13. Review status: criteria provided, single submitter. Criteria: ICSL Variant Classification Criteria 13 December 2019. Collection method: clinical testing. Allele origin: germline.

NM_000787.4(DBH):c.1001A>T (p.Tyr334Phe)

Gene: DBH (dopamine beta-hydroxylase; plus strand). Cytogenetic location: 9q34.2.
Variant type: single nucleotide variant.
Coding change: c.1001A>T on transcript NM_000787.4 (MANE Select); coding-DNA position 1001, A replaced by T.
Protein change: p.Tyr334Phe; replaces tyrosine 334 with phenylalanine.
Molecular consequence: missense variant.
Genome position (GRCh38, 1-based): chr9:133,644,297, A>T. VCF-style: chr9-133644297-A-T. GRCh37 (hg19) VCF-style: chr9-136509419-A-T.
Other names: short protein forms Y334F.
Identifiers: ClinVar variation 912321 (VCV000912321.9), dbSNP rs200678652, ClinGen allele CA5313261.
Genomic context (GRCh38, chr9:133,644,297, plus strand): 5'-AAGCCGGCCTTGCCTTCGGGGGTCCAGGGTCCTCCAGATATCTCCGCCTGGAAGTTCACT[A>T]CCACAACCCACTGGTGATAGAAGGTAGGCGGCTCTGCTGCCATCCTCCTCAGAAGCCCTA-3'
Protein context (NP_000778.3, residues 324-344): SSRYLRLEVH[Tyr334Phe]HNPLVIEGRN